The following is an entry in ClinVar:

NM_000444.6(PHEX):c.1768+2T>G

Genes: PHEX (phosphate regulating endopeptidase X-linked; plus strand), PTCHD1-AS (PTCHD1 and PHEX antisense RNA; minus strand). Cytogenetic location: Xp22.11.
Variant type: single nucleotide variant.
Coding change: c.1768+2T>G on transcript NM_000444.6 (MANE Select); the canonical splice donor site of the intron after coding-DNA position 1768, T replaced by G.
Molecular consequence: splice donor variant.
Genome position (GRCh38, 1-based): chrX:22,219,105, T>G. VCF-style: chrX-22219105-T-G. GRCh37 (hg19) VCF-style: chrX-22237222-T-G.
Other names: c.1768+2T>G (NM_001282754.2).
Identifiers: ClinVar variation 943090 (VCV000943090.10), dbSNP rs1935185854, ClinGen allele CA412575864.
Genomic context (GRCh38, chrX:22,219,105, plus strand): 5'-TTATGGTGCTATAGGAGTAATTGTCGGACATGAATTTACACATGGATTTGATAATAATGG[T>G]AAGTACCGGTTCATTTTATAAGCTGCTGCTTTTATAATAATGTTGACTATATGGATGTTA-3'

ClinVar aggregate classification (germline): Pathogenic (1 of 4 stars; one submission).

Submission:

Labcorp Genetics (formerly Invitae), Labcorp
Classification: Pathogenic. Last evaluated: 2019-07-01. Review status: criteria provided, single submitter. Criteria: Invitae Variant Classification Sherloc (09022015). Collection method: clinical testing. Allele origin: germline.
Comment: This sequence change affects a donor splice site in intron 17 of the PHEX gene. It is expected to disrupt RNA splicing and likely results in an absent or disrupted protein product. This variant is not present in population databases (ExAC no frequency). This variant has been observed in individuals affected with hypophosphatemic rickets (PMID: 24836714, Invitae). Algorithms developed to predict the effect of sequence changes on RNA splicing suggest that this variant may disrupt the consensus splice site, but this prediction has not been confirmed by published transcriptional studies. Donor and acceptor splice site variants typically lead to a loss of protein function (PMID: 16199547), and loss-of-function variants in PHEX are known to be pathogenic (PMID: 9097956, 9106524, 19219621). For these reasons, this variant has been classified as Pathogenic.

Literature cited by the submitters: PubMed 24836714; PubMed 16199547; PubMed 9097956; PubMed 9106524; PubMed 19219621.